The following is an entry in ClinVar:

ClinVar aggregate classification (germline): Uncertain significance (1 of 4 stars; one submission).

Conditions:
DNMT3A-related disorder. Also called: DNMT3A-related disorders; DNMT3A-related condition.

gnomAD v4.1: 3 of 1,613,858 alleles (0.00019%); highest among the groups gnomAD compares: Non-Finnish European, 0.00025%; no homozygotes.

Submission:

PreventionGenetics, part of Exact Sciences
Classification: Uncertain significance for DNMT3A-related condition. Last evaluated: 2026-05-10. Review status: criteria provided, single submitter. Criteria: ACMG Guidelines, 2015. Collection method: clinical testing. Allele origin: germline.
Comment: The DNMT3A c.2227C>T variant is predicted to result in the amino acid substitution p.Pro743Ser. To our knowledge, this variant has not been reported in the literature in individuals with DNMT3A-related disorders. This variant is reported in 0.0040% of alleles in individuals of European (Finnish) descent in gnomAD. At this time, the clinical significance of this variant is uncertain due to the absence of conclusive functional and genetic evidence.

NM_022552.5(DNMT3A):c.2227C>T (p.Pro743Ser)

Gene: DNMT3A (DNA methyltransferase 3 alpha; minus strand). Cytogenetic location: 2p23.3.
Variant type: single nucleotide variant.
Coding change: c.2227C>T on transcript NM_022552.5 (MANE Select); coding-DNA position 2227, C replaced by T.
Protein change: p.Pro743Ser; replaces proline 743 with serine.
Molecular consequence: missense variant. On other transcripts: non-coding transcript variant (1).
Genome position (GRCh38, 1-based): chr2:25,240,397, G>A on the plus strand (C>T on the coding strand, the complement: DNMT3A is on the minus strand). VCF-style: chr2-25240397-G-A. GRCh37 (hg19) VCF-style: chr2-25463266-G-A.
Other names: c.1771C>T, p.Pro591Ser (NM_001320893.1); c.1558C>T, p.Pro520Ser (NM_001375819.1); c.1660C>T, p.Pro554Ser (NM_153759.3); c.2227C>T, p.Pro743Ser (NM_175629.2); short protein forms P591S, P520S, P743S, P554S.
Identifiers: ClinVar variation 4984416 (VCV004984416.1).